The following is an entry in ClinVar:

ClinVar aggregate classification (germline): other (0 of 4 stars; one submission).

Conditions:
Familial colorectal cancer. Identifiers: MedGen CN280943, MONDO:0023113. Disease mechanism: loss of function.

Allele frequency attached by ClinVar (database versions not stated): TOPMed below 0.00001; gnomAD 0.00001.
gnomAD v4.1: 1 of 152,080 alleles (0.00066%); highest among the groups gnomAD compares: Non-Finnish European, 0.0015%; no homozygotes.

Submission:

Systems Biology Platform Zhejiang California International NanoSystems Institute
Classification: other for Familial colorectal cancer. Review status: no assertion criteria provided. Collection method: not provided. Allele origin: unknown.
ClinVar note: Converted during submission from cancer to other.

NM_000038.6(APC):c.645+1460G>A

Gene: APC (APC regulator of WNT signaling pathway; plus strand). Cytogenetic location: 5q22.2.
Variant type: single nucleotide variant.
Coding change: c.645+1460G>A on transcript NM_000038.6 (MANE Select); 1460 bases into the intron after coding-DNA position 645, G replaced by A.
Molecular consequence: intron variant.
Genome position (GRCh38, 1-based): chr5:112,782,363, G>A. VCF-style: chr5-112782363-G-A. GRCh37 (hg19) VCF-style: chr5-112118060-G-A.
Other names: c.645+1460G>A (NM_001354895.2, NM_001127510.3, NM_001354896.2 and 2 more transcripts); c.675+1460G>A (NM_001354897.2, NM_001354902.2, NM_001127511.3); c.570+1460G>A (NM_001354898.2, NM_001354904.2); c.-391+1460G>A (NM_001354906.2); c.468+1460G>A (NM_001354900.2, NM_001354901.2, NM_001354905.2).
Identifiers: ClinVar variation 82946 (VCV000082946.2), dbSNP rs76126959, ClinGen allele CA011223.